The following is an entry in ClinVar:

ClinVar aggregate classification (germline): Uncertain significance (1 of 4 stars; one submission).

Submission:

GeneDx
Classification: Uncertain significance. Last evaluated: 2023-11-28. Review status: criteria provided, single submitter. Criteria: GeneDx Variant Classification Process June 2021. Collection method: clinical testing. Allele origin: germline. Affected: yes.
Comment: Not observed at significant frequency in large population cohorts (gnomAD); In silico analysis supports that this missense variant does not alter protein structure/function; Has not been previously published as pathogenic or benign to our knowledge

NM_000202.8(IDS):c.100A>G (p.Thr34Ala)

Gene: IDS (iduronate 2-sulfatase; minus strand). Cytogenetic location: Xq28.
Variant type: single nucleotide variant.
Coding change: c.100A>G on transcript NM_000202.8 (MANE Select); coding-DNA position 100, A replaced by G.
Protein change: p.Thr34Ala; replaces threonine 34 with alanine.
Molecular consequence: missense variant. On other transcripts: 5 prime UTR variant (1), non-coding transcript variant (1).
Genome position (GRCh38, 1-based): chrX:149,505,038, T>C on the plus strand (A>G on the coding strand, the complement: IDS is on the minus strand). VCF-style: chrX-149505038-T-C. GRCh37 (hg19) VCF-style: chrX-148586568-T-C.
Other names: c.-127A>G (NM_001166550.4); c.100A>G, p.Thr34Ala (NM_006123.5); short protein forms T34A.
Identifiers: ClinVar variation 1723056 (VCV001723056.3), dbSNP rs2520909700, ClinGen allele CA414528131.
Genomic context (GRCh38, chrX:149,505,038, plus strand): 5'-GAGGAAGGAAGGGAGGGAGGAAGGGAGAAGAGATGGCAGGGAGGGCGTGGGCGGCACCTG[T>C]GGTCGAGTTGGCCTGCGTTTCGGATCCGAGGGCGACGCAGACGGAGCTCAGAACCAGACC-3'
Protein context (NP_000193.1, residues 24-44): LGSETQANST[Thr34Ala]DALNVLLIIV